The following is an entry in ClinVar:

ClinVar aggregate classification (germline): Uncertain significance. Review status: criteria provided, multiple submitters, no conflicts (2 of 4 stars). 2 submissions from 2 submitters: Uncertain significance (2). Last evaluated 2023-07-28.

Conditions:
Renal cell carcinoma. Identifiers: Orphanet 217071, MedGen C0007134, MeSH D002292, MONDO:0005086, HP:0005584.
Papillary renal cell carcinoma type 1 (RCCP1). Also called: Renal adenocarcinoma; Renal cell carcinoma 1; Renal cell carcinoma, somatic; RENAL CELL CARCINOMA, PAPILLARY, 1, SOMATIC. Identifiers: Orphanet 47044, MedGen C1336839, OMIM 605074, HP:0011797.

Submissions (2):

Labcorp Genetics (formerly Invitae), Labcorp
Classification: Uncertain significance for Renal cell carcinoma. Last evaluated: 2023-07-28. Review status: criteria provided, single submitter. Criteria: Invitae Variant Classification Sherloc (09022015). Collection method: clinical testing. Allele origin: germline.
Comment: This sequence change replaces glutamine, which is neutral and polar, with arginine, which is basic and polar, at codon 79 of the MET protein (p.Gln79Arg). This variant is not present in population databases (gnomAD no frequency). In summary, the available evidence is currently insufficient to determine the role of this variant in disease. Therefore, it has been classified as a Variant of Uncertain Significance. Advanced modeling of protein sequence and biophysical properties (such as structural, functional, and spatial information, amino acid conservation, physicochemical variation, residue mobility, and thermodynamic stability) performed at Invitae indicates that this missense variant is not expected to disrupt MET protein function. ClinVar contains an entry for this variant (Variation ID: 584706). This variant has not been reported in the literature in individuals affected with MET-related conditions.

Mendelics
Classification: Uncertain significance for Renal cell carcinoma, papillary, 1. Last evaluated: 2018-07-02. Review status: criteria provided, single submitter. Criteria: Mendelics Assertion Criteria 2017. Collection method: clinical testing. Allele origin: unknown.

NM_000245.4(MET):c.236A>G (p.Gln79Arg)

Gene: MET (MET proto-oncogene, receptor tyrosine kinase; plus strand). Cytogenetic location: 7q31.2.
Variant type: single nucleotide variant.
Coding change: c.236A>G on transcript NM_000245.4 (MANE Select); coding-DNA position 236, A replaced by G.
Protein change: p.Gln79Arg; replaces glutamine 79 with arginine.
Molecular consequence: missense variant. On other transcripts: intron variant (1).
Genome position (GRCh38, 1-based): chr7:116,699,320, A>G. VCF-style: chr7-116699320-A-G. GRCh37 (hg19) VCF-style: chr7-116339374-A-G.
Other names: c.236A>G, p.Gln79Arg (NM_001127500.3, NM_001324401.3); c.-91+26743A>G (NM_001324402.2); short protein forms Q79R.
Identifiers: ClinVar variation 584706 (VCV000584706.5), dbSNP rs1562883214, ClinGen allele CA368968632.